The following is an entry in ClinVar:

GRCh38/hg38 3q29(chr3:196013486-197503306)x3

Genes: CEP19 (centrosomal protein 19; minus strand), DLG1 (discs large MAGUK scaffold protein 1; minus strand), DLG1-AS1 (DLG1 antisense RNA 1; plus strand), DYNLT2B (dynein light chain Tctex-type 2B; minus strand), FBXO45 (F-box protein 45; plus strand) and 99 more. Cytogenetic location: 3q29.
Variant type: copy number gain.
Change: copy number 3 (three copies instead of two) of chr3:196,013,486-197,503,306 (1.49 Mb, GRCh38 coordinates, 1-based), cytogenetic band 3q29.
Identifiers: ClinVar variation 57328 (VCV000057328.2).

ClinVar aggregate classification (germline): Pathogenic (0 of 4 stars; one submission).

Submission:

ISCA site 4
Classification: Pathogenic. Last evaluated: 2011-08-11. Review status: no assertion criteria provided. Collection method: clinical testing. Allele origin: unknown. Affected: yes. Observed: 1 variant allele.
Comment: Copy number variation identified through the course of routine clinical cytogenomic testing in postnatal populations. Clinical assertions have been curated as described in Kaminsky et al. 2011.

Copy number variation identified through the course of routine clinical cytogenomic testing in postnatal populations. Clinical assertions have been curated as described in Kaminsky, et al. 2011 (PubMed 21844811). For additional ClinGen data, please see nstd37.